The following is an entry in ClinVar:

ClinVar aggregate classification (germline): Likely benign (1 of 4 stars; one submission).

Submission:

GeneDx
Classification: Likely benign. Last evaluated: 2016-08-10. Review status: criteria provided, single submitter. Criteria: GeneDx Variant Classification (06012015). Collection method: clinical testing. Allele origin: germline. Affected: yes.
Comment: This variant is considered likely benign or benign based on one or more of the following criteria: it is a conservative change, it occurs at a poorly conserved position in the protein, it is predicted to be benign by multiple in silico algorithms, and/or has population frequency not consistent with disease.

NM_000540.3(RYR1):c.2292G>A (p.Gln764=)

Gene: RYR1 (ryanodine receptor 1; plus strand). Cytogenetic location: 19q13.2.
Variant type: single nucleotide variant.
Coding change: c.2292G>A on transcript NM_000540.3 (MANE Select); coding-DNA position 2292, G replaced by A.
Protein change: p.Gln764=; no amino-acid change (glutamine 764 retained).
Molecular consequence: synonymous variant.
Genome position (GRCh38, 1-based): chr19:38,459,270, G>A. VCF-style: chr19-38459270-G-A. GRCh37 (hg19) VCF-style: chr19-38949910-G-A.
Other names: c.2292G>A, p.Gln764= (NM_001042723.2).
Identifiers: ClinVar variation 388222 (VCV000388222.1), dbSNP rs776172759, ClinGen allele CA16608128.
Genomic context (GRCh38, chr19:38,459,270, plus strand): 5'-CTGCTGCCTGGACCTCAGCGTGCCGTCCATCTCCTTCCGCATCAACGGCTGCCCCGTGCA[G>A]GGTGTCTTTGAGTCCTTCAACCTGGACGGGCTCTTCTTCCCTGTTGTCAGCTTCTCGGCT-3'
Protein context (NP_000531.2, residues 754-774): ISFRINGCPV[Gln764=]GVFESFNLDG